The following is an entry in ClinVar:

ClinVar aggregate classification (germline): Likely pathogenic. Review status: criteria provided, multiple submitters, no conflicts (2 of 4 stars). 2 submissions from 2 submitters: Likely pathogenic (2). Last evaluated 2025-05-12.

Conditions:
Familial thoracic aortic aneurysm and aortic dissection (TAAD). Also called: Thoracic aortic aneurysms and dissections. Identifiers: Orphanet 91387, MedGen C4707243, MONDO:0019625.

Submissions (2):

GeneDx
Classification: Likely pathogenic. Last evaluated: 2025-05-12. Review status: criteria provided, single submitter. Criteria: GeneDx Variant Classification Process June 2021. Collection method: clinical testing. Allele origin: germline. Affected: yes.
Comment: Missense variants in this gene are a common cause of disease and they are underrepresented in the general population; Not observed at significant frequency in large population cohorts (gnomAD); In silico analysis supports that this missense variant has a deleterious effect on protein structure/function; This variant is associated with the following publications: (PMID: 26633542, 29650765)

Labcorp Genetics (formerly Invitae), Labcorp
Classification: Likely pathogenic for Familial thoracic aortic aneurysm and aortic dissection. Last evaluated: 2021-05-27. Review status: criteria provided, single submitter. Criteria: Invitae Variant Classification Sherloc (09022015). Collection method: clinical testing. Allele origin: germline.
Comment: Advanced modeling of protein sequence and biophysical properties (such as structural, functional, and spatial information, amino acid conservation, physicochemical variation, residue mobility, and thermodynamic stability) performed at Invitae indicates that this missense variant is expected to disrupt SMAD3 protein function. In summary, the currently available evidence indicates that the variant is pathogenic, but additional data are needed to prove that conclusively. Therefore, this variant has been classified as Likely Pathogenic. This variant disrupts the p.Asp258 amino acid residue in SMAD3. Other variant(s) that disrupt this residue have been observed in individuals with SMAD3-related conditions (Invitae), which suggests that this may be a clinically significant amino acid residue. This variant has been observed in individuals with clinical features of SMAD3-related conditions (PMID: 26633542, 29650765, Invitae). ClinVar contains an entry for this variant (Variation ID: 213763). This variant is not present in population databases (ExAC no frequency). This sequence change replaces aspartic acid with histidine at codon 258 of the SMAD3 protein (p.Asp258His). The aspartic acid residue is highly conserved and there is a moderate physicochemical difference between aspartic acid and histidine.

Literature cited by the submitters: PubMed 26633542 (cited by Labcorp Genetics (formerly Invitae), Labcorp); PubMed 29650765 (cited by Labcorp Genetics (formerly Invitae), Labcorp).

NM_005902.4(SMAD3):c.772G>C (p.Asp258His)

Gene: SMAD3 (SMAD family member 3; plus strand). Cytogenetic location: 15q22.33.
Variant type: single nucleotide variant.
Coding change: c.772G>C on transcript NM_005902.4 (MANE Select); coding-DNA position 772, G replaced by C.
Protein change: p.Asp258His; replaces aspartic acid 258 with histidine.
Molecular consequence: missense variant.
Genome position (GRCh38, 1-based): chr15:67,181,354, G>C. VCF-style: chr15-67181354-G-C. GRCh37 (hg19) VCF-style: chr15-67473692-G-C.
Other names: p.D258H:GAT>CAT; c.457G>C, p.Asp153His (NM_001145102.2); c.640G>C, p.Asp214His (NM_001145103.2); c.187G>C, p.Asp63His (NM_001145104.2); short protein forms D258H, D214H, D63H, D153H.
Identifiers: ClinVar variation 213763 (VCV000213763.9), dbSNP rs863223738, ClinGen allele CA325318.